The following is an entry in ClinVar:

NM_177965.4(CFAP418):c.44A>G (p.Lys15Arg)

Genes: CFAP418 (cilia and flagella associated protein 418; minus strand), CFAP418-AS1 (CFAP418 antisense RNA 1; plus strand), LOC130000784 (ATAC-STARR-seq lymphoblastoid active region 27655; plus strand). Cytogenetic location: 8q22.1.
Variant type: single nucleotide variant.
Coding change: c.44A>G on transcript NM_177965.4 (MANE Select); coding-DNA position 44, A replaced by G.
Protein change: p.Lys15Arg; replaces lysine 15 with arginine.
Molecular consequence: missense variant.
Genome position (GRCh38, 1-based): chr8:95,269,146, T>C on the plus strand (A>G on the coding strand, the complement: CFAP418 is on the minus strand). VCF-style: chr8-95269146-T-C. GRCh37 (hg19) VCF-style: chr8-96281374-T-C.
Other names: c.44A>G, p.Lys15Arg (NM_001363260.1); short protein forms K15R.
Identifiers: ClinVar variation 1681155 (VCV001681155.5), dbSNP rs111662618, ClinGen allele CA182090242.

ClinVar aggregate classification (germline): Uncertain significance (1 of 4 stars; one submission).

Allele frequency attached by ClinVar (database versions not stated): TOPMed 0.00006; gnomAD 0.00001.
gnomAD v4.1: 5 of 1,614,008 alleles (0.00031%); highest among the groups gnomAD compares: Admixed American, 0.0067%; no homozygotes.

Submission:

Labcorp Genetics (formerly Invitae), Labcorp
Classification: Uncertain significance. Last evaluated: 2021-12-24. Review status: criteria provided, single submitter. Criteria: Invitae Variant Classification Sherloc (09022015). Collection method: clinical testing. Allele origin: germline.
Comment: This sequence change replaces lysine, which is basic and polar, with arginine, which is basic and polar, at codon 15 of the C8orf37 protein (p.Lys15Arg). This variant is not present in population databases (gnomAD no frequency). This variant has not been reported in the literature in individuals affected with C8orf37-related conditions. Algorithms developed to predict the effect of missense changes on protein structure and function are either unavailable or do not agree on the potential impact of this missense change (SIFT: "Tolerated"; PolyPhen-2: "Probably Damaging"; Align-GVGD: "Class C0"). In summary, the available evidence is currently insufficient to determine the role of this variant in disease. Therefore, it has been classified as a Variant of Uncertain Significance.